The following is an entry in ClinVar:

NM_000257.4(MYH7):c.3854-50G>A

Gene: MYH7 (myosin heavy chain 7; minus strand). Cytogenetic location: 14q11.2.
Variant type: single nucleotide variant.
Coding change: c.3854-50G>A on transcript NM_000257.4 (MANE Select); 50 bases into the intron before coding-DNA position 3854, G replaced by A.
Molecular consequence: intron variant.
Genome position (GRCh38, 1-based): chr14:23,419,345, C>T on the plus strand (G>A on the coding strand, the complement: MYH7 is on the minus strand). VCF-style: chr14-23419345-C-T. GRCh37 (hg19) VCF-style: chr14-23888554-C-T.
Identifiers: ClinVar variation 675326 (VCV000675326.1), dbSNP rs140017584, ClinGen allele CA039334.

ClinVar aggregate classification (germline): Likely benign (1 of 4 stars; one submission).

Allele frequency attached by ClinVar (database versions not stated): gnomAD exomes 0.00059 and 0.00147; ExAC 0.00161; 1000 Genomes Project 30x 0.00453; 1000 Genomes Project 0.00459; gnomAD 0.00480 and 0.00512; TOPMed 0.00543; ESP Exome Variant Server 0.00615.
gnomAD v4.1: 1,621 of 1,612,770 alleles (0.1%); highest among the groups gnomAD compares: African/African-American, 1.6%; 12 homozygotes.

Submission:

GeneDx
Classification: Likely benign. Last evaluated: 2018-06-19. Review status: criteria provided, single submitter. Criteria: GeneDx Variant Classification (06012015). Collection method: clinical testing. Allele origin: germline. Affected: yes.
Comment: This variant is considered likely benign or benign based on one or more of the following criteria: it is a conservative change, it occurs at a poorly conserved position in the protein, it is predicted to be benign by multiple in silico algorithms, and/or has population frequency not consistent with disease.